The following is an entry in ClinVar:

ClinVar aggregate classification (germline): Uncertain significance. Review status: criteria provided, multiple submitters, no conflicts (2 of 4 stars). 10 submissions from 10 submitters: Uncertain significance (8). 2 of the submissions do not count toward it. Last evaluated 2025-12-02.

Conditions:
Familial hypokalemia-hypomagnesemia (GTLMNS). Also called: HYPOMAGNESEMIA-HYPOKALEMIA, PRIMARY RENOTUBULAR, WITH HYPOCALCIURIA; POTASSIUM AND MAGNESIUM DEPLETION; gitelman syndrome. Identifiers: Orphanet 358, MedGen C0268450, MONDO:0009904, OMIM 263800.

Allele frequency attached by ClinVar (database versions not stated): gnomAD 0.00038; 1000 Genomes Project 0.00040; 1000 Genomes Project 30x 0.00047; TOPMed 0.00054; ESP Exome Variant Server 0.00062.

Submissions (10):

Women's Health and Genetics/Laboratory Corporation of America, LabCorp
Classification: Uncertain significance. Last evaluated: 2025-12-02. Review status: criteria provided, single submitter. Criteria: LabCorp Variant Classification Summary - May 2015. Collection method: clinical testing. Allele origin: germline.
Comment: Variant summary: SLC12A3 c.2497T>A (p.Ser833Thr) results in a conservative amino acid change in the encoded protein sequence. Algorithms developed to predict the effect of missense changes on protein structure and function all suggest that this variant is likely to be tolerated. The variant allele was found at a frequency of 0.0004 in 251062 control chromosomes. This frequency is not significantly higher than estimated for disease-causing variants in SLC12A3, allowing no conclusion about variant significance. c.2497T>A has been observed in individuals affected with Familial Hypokalemia-Hypomagnesemia (Blasco_2024, Glaudemans_2012, Rasouly_2019). These data do not allow any conclusion about variant significance. To our knowledge, no experimental evidence demonstrating an impact on protein function has been reported. The following publications have been ascertained in the context of this evaluation (PMID: 38972501, 22009145, 30476936). ClinVar contains an entry for this variant (Variation ID: 448393). Based on the evidence outlined above, the variant was classified as uncertain significance.

Mayo Clinic Laboratories, Mayo Clinic
Classification: Uncertain significance. Last evaluated: 2025-06-24. Review status: criteria provided, single submitter. Criteria: ACMG Guidelines, 2015. Collection method: clinical testing. Allele origin: germline. Observed: 1 variant allele.
Comment: BP4, PM2_supporting

GeneDx
Classification: Uncertain significance. Last evaluated: 2024-05-02. Review status: criteria provided, single submitter. Criteria: GeneDx Variant Classification Process June 2021. Collection method: clinical testing. Allele origin: germline. Affected: yes.
Comment: Reported in the heterozygous state in an individual with Gitelman syndrome, but a second SLC12A3 variant was not identified in this individual (PMID: 22009145); In silico analysis indicates that this missense variant does not alter protein structure/function; This variant is associated with the following publications: (PMID: 25841442, 34604727, 22009145)

Fulgent Genetics
Classification: Uncertain significance for Familial hypokalemia-hypomagnesemia. Last evaluated: 2024-03-01. Review status: criteria provided, single submitter. Criteria: ACMG Guidelines, 2015. Collection method: clinical testing. Allele origin: germline.

Labcorp Genetics (formerly Invitae), Labcorp
Classification: Uncertain significance. Last evaluated: 2022-08-19. Review status: criteria provided, single submitter. Criteria: Invitae Variant Classification Sherloc (09022015). Collection method: clinical testing. Allele origin: germline.
Comment: This sequence change replaces serine, which is neutral and polar, with threonine, which is neutral and polar, at codon 833 of the SLC12A3 protein (p.Ser833Thr). This variant is present in population databases (rs146845953, gnomAD 0.07%). This missense change has been observed in individual(s) with clinical features of Gitelman syndrome (PMID: 22009145). ClinVar contains an entry for this variant (Variation ID: 448393). Advanced modeling of protein sequence and biophysical properties (such as structural, functional, and spatial information, amino acid conservation, physicochemical variation, residue mobility, and thermodynamic stability) performed at Invitae indicates that this missense variant is not expected to disrupt SLC12A3 protein function. In summary, the available evidence is currently insufficient to determine the role of this variant in disease. Therefore, it has been classified as a Variant of Uncertain Significance.

Genome-Nilou Lab
Classification: Uncertain significance for Familial hypokalemia-hypomagnesemia. Last evaluated: 2021-07-15. Review status: criteria provided, single submitter. Criteria: ACMG Guidelines, 2015. Collection method: clinical testing. Allele origin: germline. Affected: no.

Athena Diagnostics
Classification: Uncertain significance. Last evaluated: 2017-05-09. Review status: criteria provided, single submitter. Criteria: Athena Diagnostics Criteria. Collection method: clinical testing. Allele origin: germline.

Illumina Laboratory Services, Illumina
Classification: Uncertain significance for Familial hypokalemia-hypomagnesemia. Last evaluated: 2017-04-27. Review status: criteria provided, single submitter. Criteria: ICSL Variant Classification Criteria 13 December 2019. Collection method: clinical testing. Allele origin: germline.
Comment: This variant was observed as part of a predisposition screen in an ostensibly healthy population. A literature search was performed for the gene, cDNA change, and amino acid change (where applicable). Publications were found based on this search. However, the evidence from the literature, in combination with allele frequency data from public databases where available, was not sufficient to rule this variant in or out of causing disease. Therefore, this variant is classified as a variant of unknown significance.

Natera, Inc.
Classification: Uncertain significance for Gitelman syndrome. Last evaluated: 2020-01-14. Review status: no assertion criteria provided. Collection method: clinical testing. Allele origin: germline. Not counted in ClinVar's aggregate classification.

Gharavi Laboratory, Columbia University
Classification: Uncertain significance. Last evaluated: 2018-09-16. Review status: no assertion criteria provided. Criteria: ACMG Guidelines, 2015. Collection method: research. Allele origin: germline. Affected: no. Not counted in ClinVar's aggregate classification.

Literature cited by the submitters: PubMed 22009145 (cited by 5 submitters); PubMed 30476936 (cited by Women's Health and Genetics/Laboratory Corporation of America, LabCorp and Mayo Clinic Laboratories, Mayo Clinic); PubMed 38972501 (cited by Women's Health and Genetics/Laboratory Corporation of America, LabCorp).

NM_001126108.2(SLC12A3):c.2470T>A (p.Ser824Thr)

Gene: SLC12A3 (solute carrier family 12 member 3; plus strand). Cytogenetic location: 16q13.
Variant type: single nucleotide variant.
Coding change: c.2470T>A on transcript NM_001126108.2 (MANE Select); coding-DNA position 2470, T replaced by A.
Protein change: p.Ser824Thr; replaces serine 824 with threonine.
Molecular consequence: missense variant.
Genome position (GRCh38, 1-based): chr16:56,893,003, T>A. VCF-style: chr16-56893003-T-A. GRCh37 (hg19) VCF-style: chr16-56926915-T-A.
Other names: p.Ser833Thr; c.2497T>A, p.Ser833Thr (NM_000339.3); c.2494T>A, p.Ser832Thr (NM_001126107.2); short protein forms S833T, S832T, S824T.
Identifiers: ClinVar variation 448393 (VCV000448393.20), dbSNP rs146845953, ClinGen allele CA8069922.